The following is an entry in ClinVar:

ClinVar aggregate classification (germline): Benign/Likely benign. Review status: criteria provided, multiple submitters, no conflicts (2 of 4 stars). 4 submissions from 4 submitters: Benign (3); Likely benign (1). Last evaluated 2026-01-26.

Conditions:
Episodic ataxia type 6. Identifiers: Orphanet 209967, MedGen C2675211, MONDO:0012982, OMIM 612656.

Allele frequency attached by ClinVar (database versions not stated): gnomAD exomes 0.00044; ExAC 0.00153; gnomAD 0.00460 and 0.00501; 1000 Genomes Project 0.00499; TOPMed 0.00510; ESP Exome Variant Server 0.00523; 1000 Genomes Project 30x 0.00531.

Submissions (4):

Labcorp Genetics (formerly Invitae), Labcorp
Classification: Benign. Last evaluated: 2026-01-26. Review status: criteria provided, single submitter. Criteria: Invitae Variant Classification Sherloc (09022015). Collection method: clinical testing. Allele origin: germline.

Mayo Clinic Laboratories, Mayo Clinic
Classification: Benign. Last evaluated: 2025-03-24. Review status: criteria provided, single submitter. Criteria: ACMG Guidelines, 2015. Collection method: clinical testing. Allele origin: germline. Observed: 3 variant alleles.
Comment: BS1, BS2, BP4, BP7

Fulgent Genetics
Classification: Likely benign for Episodic ataxia type 6. Last evaluated: 2022-05-17. Review status: criteria provided, single submitter. Criteria: ACMG Guidelines, 2015. Collection method: clinical testing. Allele origin: unknown.

Athena Diagnostics
Classification: Benign. Last evaluated: 2020-09-24. Review status: criteria provided, single submitter. Criteria: Athena Diagnostics criteria. Collection method: clinical testing. Allele origin: unknown.

NM_004172.5(SLC1A3):c.342G>A (p.Lys114=)

Genes: SLC1A3 (solute carrier family 1 member 3; plus strand), SLC1A3-AS1 (SLC1A3 antisense RNA 1; minus strand). Cytogenetic location: 5p13.2.
Variant type: single nucleotide variant.
Coding change: c.342G>A on transcript NM_004172.5 (MANE Select); coding-DNA position 342, G replaced by A.
Protein change: p.Lys114=; no amino-acid change (lysine 114 retained).
Molecular consequence: synonymous variant.
Genome position (GRCh38, 1-based): chr5:36,671,051, G>A. VCF-style: chr5-36671051-G-A. GRCh37 (hg19) VCF-style: chr5-36671153-G-A.
Other names: p.Lys114=; c.342G>A, p.Lys114= (NM_001166695.3, NM_001289940.2); c.204G>A, p.Lys68= (NM_001289939.2).
Identifiers: ClinVar variation 709741 (VCV000709741.13), dbSNP rs34809305, ClinGen allele CA3235445.
Genomic context (GRCh38, chr5:36,671,051, plus strand): 5'-GACTGACTTCCTGAAAATCTTCTGTTTGCCTCCACCAGGAATGGCGGCGCTAGATAGTAA[G>A]GCATCAGGGAAGATGGGAATGCGAGCTGTAGTCTATTATATGACTACCACCATCATTGCT-3'
Protein context (NP_004163.3, residues 104-124): LVTGMAALDS[Lys114=]ASGKMGMRAV